The following is an entry in ClinVar:

NM_004982.4(KCNJ8):c.914T>A (p.Ile305Asn)

Genes: KCNJ8-AS1 (KCNJ8 antisense RNA 1; plus strand), KCNJ8 (potassium inwardly rectifying channel subfamily J member 8; minus strand). Cytogenetic location: 12p12.1.
Variant type: single nucleotide variant.
Coding change: c.914T>A on transcript NM_004982.4 (MANE Select); coding-DNA position 914, T replaced by A.
Protein change: p.Ile305Asn; replaces isoleucine 305 with asparagine.
Molecular consequence: missense variant.
Genome position (GRCh38, 1-based): chr12:21,766,084, A>T on the plus strand (T>A on the coding strand, the complement: KCNJ8 is on the minus strand). VCF-style: chr12-21766084-A-T. GRCh37 (hg19) VCF-style: chr12-21919018-A-T.
Other names: short protein forms I305N.
Identifiers: ClinVar variation 3640493 (VCV003640493.2).

ClinVar aggregate classification (germline): Uncertain significance (1 of 4 stars; one submission).

Conditions:
Brugada syndrome. Also called: Sudden unexpected nocturnal death syndrome; Sudden Unexplained Death Syndrome; Sudden Unexplained Nocturnal Death Syndrome (SUNDS); Sudden unexplained nocturnal death syndrome. Identifiers: Orphanet 130, MedGen C1142166, MONDO:0015263.

Submission:

Labcorp Genetics (formerly Invitae), Labcorp
Classification: Uncertain significance for Brugada syndrome. Last evaluated: 2024-09-23. Review status: criteria provided, single submitter. Criteria: Invitae Variant Classification Sherloc (09022015). Collection method: clinical testing. Allele origin: germline.
Comment: This sequence change replaces isoleucine, which is neutral and non-polar, with asparagine, which is neutral and polar, at codon 305 of the KCNJ8 protein (p.Ile305Asn). This variant is not present in population databases (gnomAD no frequency). This variant has not been reported in the literature in individuals affected with KCNJ8-related conditions. Invitae Evidence Modeling of protein sequence and biophysical properties (such as structural, functional, and spatial information, amino acid conservation, physicochemical variation, residue mobility, and thermodynamic stability) indicates that this missense variant is not expected to disrupt KCNJ8 protein function with a negative predictive value of 80%. In summary, the available evidence is currently insufficient to determine the role of this variant in disease. Therefore, it has been classified as a Variant of Uncertain Significance.